The following is an entry in ClinVar:

GRCh38/hg38 5p15.33-15.2(chr5:9999-14320000)x1

Genes: LPCAT1 (lysophosphatidylcholine acyltransferase 1), LRRC14B (leucine rich repeat containing 14B; plus strand), LSINCT5 (long stress-induced non-coding transcript 5; plus strand), MARCHF6 (membrane associated ring-CH-type finger 6; plus strand), MARCHF6-DT (MARCHF6 divergent transcript; minus strand) and 418 more. Cytogenetic location: 5p15.33-15.2.
Variant type: copy number loss.
Change: copy number 1 (one copy instead of two) of chr5:9,999-14,320,000 (14.31 Mb, GRCh38 coordinates, 1-based), cytogenetic band 5p15.33-15.2.
Identifiers: ClinVar variation 2579279 (VCV002579279.1).

ClinVar aggregate classification (germline): Pathogenic (1 of 4 stars; one submission).

Conditions:
Intellectual developmental disorder, autosomal dominant 44, with microcephaly. Also called: TRIO-Related Intellectual Disability; Micrognathia-recurrent infections-behavioral abnormalities-mild intellectual disability syndrome. Identifiers: Orphanet 476126, MedGen C4310740, MONDO:0014892, OMIM 617061.

Submission:

Broad Center for Mendelian Genomics, Broad Institute of MIT and Harvard
Classification: Pathogenic for Intellectual developmental disorder, autosomal dominant 44, with microcephaly. Last evaluated: 2023-08-24. Review status: criteria provided, single submitter. Criteria: ACMG/ClinGen CNV Guidelines, 2019. Collection method: research. Allele origin: de novo. Inheritance: Autosomal dominant inheritance. Affected: yes.
Comment: The patient phenotype is nonspecific, but is consistent with cases described in the literature and/or published databases with overlapping variants. There is complete overlap with the 5p15 terminal (Cri du chat syndrome) region and TRIO gene which are known to be haploinsufficient and have been assessed by the ClinGen Dosage Sensitivity Working Group. In summary, the 5p15.33-q31.3 deletion meets criteria to be classified as pathogenic. The ACMG/ClinGen evidence codes and points used in this curation are as follows: 1: 0 points, 2: 1.00 points, 3: 0 points, 4-5: 0.15 points; Total: 1.15 points; Riggs 2020 (PMID: 31690835)